The following is an entry in ClinVar:

ClinVar aggregate classification (germline): Likely pathogenic (1 of 4 stars; one submission).

Conditions:
Protoporphyria, erythropoietic, 1 (EPP1). Also called: FERROCHELATASE DEFICIENCY; HEME SYNTHETASE DEFICIENCY; Erythropoietic Protoporphyria, Autosomal Recessive. Identifiers: Orphanet 79278, MedGen C4692546, MONDO:0008319, OMIM 177000.

Submission:

Institute of Human Genetics, University of Leipzig Medical Center
Classification: Likely pathogenic for Protoporphyria, erythropoietic, 1. Last evaluated: 2024-03-25. Review status: criteria provided, single submitter. Criteria: ACMG Guidelines, 2015. Collection method: clinical testing. Allele origin: unknown. Inheritance: Autosomal recessive inheritance. Affected: yes.
Comment: Criteria applied: PM5_STR,PM3,PM2_SUP,PP3,PP4

NM_000140.5(FECH):c.672T>G (p.Ile224Met)

Gene: FECH (ferrochelatase; minus strand). Cytogenetic location: 18q21.31.
Variant type: single nucleotide variant.
Coding change: c.672T>G on transcript NM_000140.5 (MANE Select); coding-DNA position 672, T replaced by G.
Protein change: p.Ile224Met; replaces isoleucine 224 with methionine.
Molecular consequence: missense variant.
Genome position (GRCh38, 1-based): chr18:57,562,907, A>C on the plus strand (T>G on the coding strand, the complement: FECH is on the minus strand). VCF-style: chr18-57562907-A-C. GRCh37 (hg19) VCF-style: chr18-55230139-A-C.
Other names: c.690T>G, p.Ile230Met (NM_001012515.4); c.672T>G, p.Ile224Met (NM_001371094.1, NM_001374778.1); c.456T>G, p.Ile152Met (NM_001371095.1); short protein forms I152M, I224M, I230M.
Identifiers: ClinVar variation 3068479 (VCV003068479.2), dbSNP rs2511528538, ClinGen allele CA402535895.